The following is an entry in ClinVar:

ClinVar aggregate classification (germline): Pathogenic. Review status: criteria provided, multiple submitters, no conflicts (2 of 4 stars). 3 submissions from 3 submitters: Pathogenic (2). 1 of the submissions does not count toward it. Last evaluated 2023-05-04.

Conditions:
Hereditary cancer-predisposing syndrome. Also called: Hereditary neoplastic syndrome; Tumor predisposition; Neoplastic Syndromes, Hereditary; Hereditary Cancer Syndrome. Identifiers: Orphanet 140162, MedGen C0027672, MeSH D009386, MONDO:0015356.
Carcinoma of colon (CRC). Also called: Colon carcinoma; Colonic carcinoma. Identifiers: MedGen C0699790, MONDO:0002032.
Familial adenomatous polyposis 1 (FAP1). Also called: POLYPOSIS, ADENOMATOUS INTESTINAL; FAMILIAL ADENOMATOUS POLYPOSIS 1, ATTENUATED. Identifiers: MedGen C2713442, MONDO:0021056, OMIM 175100. Disease mechanism: loss of function.

Submissions (3):

Myriad Genetics, Inc.
Classification: Pathogenic for Familial adenomatous polyposis 1. Last evaluated: 2023-05-04. Review status: criteria provided, single submitter. Criteria: Myriad Autosomal Dominant, Autosomal Recessive and X-Linked Classification Criteria (2023). Collection method: clinical testing. Allele origin: unknown.
Comment: This variant is considered pathogenic. This variant creates a frameshift predicted to result in premature protein truncation.

Ambry Genetics
Classification: Pathogenic for Hereditary cancer-predisposing syndrome. Last evaluated: 2021-04-19. Review status: criteria provided, single submitter. Criteria: Ambry Variant Classification Scheme 2023. Collection method: clinical testing. Allele origin: germline.
Comment: The c.2570delG pathogenic mutation, located in coding exon 15 of the APC gene, results from a deletion of one nucleotide at position 2570, causing a translational frameshift with a predicted alternate stop codon. This variant was previously described in individuals with familial adenomatous polyposis (Friedl W, et al. Gut 2001 Apr; 48(4):515-21. Aceto G, et al. Hum. Mutat. 2005 Oct; 26(4):394). In addition to the clinical data presented in the literature, this alteration is expected to result in loss of function by premature protein truncation or nonsense-mediated mRNA decay. As such, this alteration is interpreted as a disease-causing mutation.

Department of Pathology and Laboratory Medicine, Sinai Health System
Classification: Pathogenic for Carcinoma of colon. Review status: no assertion criteria provided. Collection method: clinical testing. Allele origin: unknown. Affected: yes. Study: The Canadian Open Genetics Repository (COGR). Not counted in ClinVar's aggregate classification.
Comment: The c.2570del (p.Gly857GlufsX4) mutation has been previously identified in the literature in two individuals with clinically diagnosed FAP (Friedl_2001_11247896, Aceto_2005_16134147). In one individual, a family history and vertical transmission of the mutation with disease was demonstrated (Aceto_2005_16134147). This variant is predicted to cause a frameshift, which alters the protein's amino acid sequence beginning at codon 857 and leads to a premature stop codon 4 amino acids downstream. This alteration is then predicted to lead to a truncated or absent protein. Loss of function variants are an established mechanism of disease for the APC gene. In summary, based on the above information, this variant is pathogenic.

Literature cited by the submitters: PubMed 11247896 (cited by Ambry Genetics); PubMed 16134147 (cited by Ambry Genetics).

NM_000038.6(APC):c.2570del (p.Gly857fs)

Gene: APC (APC regulator of Wnt signaling pathway; plus strand). Cytogenetic location: 5q22.2.
Variant type: Deletion.
Coding change: c.2570del on transcript NM_000038.6 (MANE Select); coding-DNA position 2570, one base deleted (G; older notation c.2570delG).
Protein change: p.Gly857fs; shifts the reading frame from glycine 857.
Molecular consequence: frameshift variant.
Genome position (GRCh38, 1-based): chr5:112,838,164, G deleted; the last of 2 consecutive G bases (chr5:112,838,163-112,838,164); deleting either gives the same sequence. VCF-style (leftmost placement, unchanged base first): chr5-112838162-CG-C. GRCh37 (hg19) VCF-style: chr5-112173859-CG-C.
Other names: c.2570del, p.Gly857fs (NM_001127510.3, NM_001354895.2); c.2516del, p.Gly839fs (NM_001127511.3); c.2624del, p.Gly875fs (NM_001354896.2); c.2600del, p.Gly867fs (NM_001354897.2); c.2495del, p.Gly832fs (NM_001354898.2); c.2486del, p.Gly829fs (NM_001354899.2); c.2447del, p.Gly816fs (NM_001354900.2); c.2393del, p.Gly798fs (NM_001354901.2); and 5 more; short protein forms G697fs, G798fs, G816fs, G756fs, G829fs, G832fs, G875fs, G574fs.
Identifiers: ClinVar variation 230263 (VCV000230263.7), dbSNP rs876658472, ClinGen allele CA10578342.